The following is an entry in ClinVar:

ClinVar aggregate classification (germline): Uncertain significance. Review status: criteria provided, multiple submitters, no conflicts (2 of 4 stars). 2 submissions from 2 submitters: Uncertain significance (2). Last evaluated 2024-04-25.

Conditions:
3-Methylglutaconic aciduria type 2 (BTHS). Also called: CARDIOSKELETAL MYOPATHY WITH NEUTROPENIA AND ABNORMAL MITOCHONDRIA; Barth syndrome. Identifiers: Orphanet 111, MedGen C0574083, MONDO:0010543, OMIM 302060.

Submissions (2):

GeneDx
Classification: Uncertain significance. Last evaluated: 2024-04-25. Review status: criteria provided, single submitter. Criteria: GeneDx Variant Classification Process June 2021. Collection method: clinical testing. Allele origin: germline. Affected: yes.
Comment: Not observed at significant frequency in large population cohorts (gnomAD); In silico analysis supports that this missense variant has a deleterious effect on protein structure/function; Has not been previously published as pathogenic or benign to our knowledge

Labcorp Genetics (formerly Invitae), Labcorp
Classification: Uncertain significance for 3-Methylglutaconic aciduria type 2. Last evaluated: 2023-10-18. Review status: criteria provided, single submitter. Criteria: Invitae Variant Classification Sherloc (09022015). Collection method: clinical testing. Allele origin: germline.
Comment: This sequence change replaces glycine, which is neutral and non-polar, with arginine, which is basic and polar, at codon 29 of the TAZ protein (p.Gly29Arg). This variant is not present in population databases (gnomAD no frequency). This variant has not been reported in the literature in individuals affected with TAZ-related conditions. An algorithm developed to predict the effect of missense changes on protein structure and function (PolyPhen-2) suggests that this variant is likely to be disruptive. In summary, the available evidence is currently insufficient to determine the role of this variant in disease. Therefore, it has been classified as a Variant of Uncertain Significance.

NM_000116.5(TAFAZZIN):c.85G>C (p.Gly29Arg)

Genes: DNASE1L1 (deoxyribonuclease 1 like 1; minus strand), TAFAZZIN (tafazzin, phospholipid-lysophospholipid transacylase; plus strand), LOC130068869 (ATAC-STARR-seq lymphoblastoid silent region 21101; plus strand). Cytogenetic location: Xq28.
Variant type: single nucleotide variant.
Coding change: c.85G>C on transcript NM_000116.5 (MANE Select); coding-DNA position 85, G replaced by C.
Protein change: p.Gly29Arg; replaces glycine 29 with arginine.
Molecular consequence: missense variant. On other transcripts: 5 prime UTR variant (3), non-coding transcript variant (1).
Genome position (GRCh38, 1-based): chrX:154,411,928, G>C. VCF-style: chrX-154411928-G-C. GRCh37 (hg19) VCF-style: chrX-153640265-G-C.
Other names: c.-468C>G (NM_001009932.3); c.-210C>G (NM_001009933.3); c.-125C>G (NM_001009934.3); c.85G>C, p.Gly29Arg (NM_001303465.2, NM_001410698.1, NM_001440856.1 and 5 more transcripts); short protein forms G29R.
Identifiers: ClinVar variation 2769826 (VCV002769826.4), dbSNP rs2522920099, ClinGen allele CA415178487.